The following is an entry in ClinVar:

NM_020693.4(DSCAML1):c.4426G>A (p.Gly1476Arg)

Gene: DSCAML1 (DS cell adhesion molecule like 1; minus strand). Cytogenetic location: 11q23.3.
Variant type: single nucleotide variant.
Coding change: c.4426G>A on transcript NM_020693.4 (MANE Select); coding-DNA position 4426, G replaced by A.
Protein change: p.Gly1476Arg; replaces glycine 1476 with arginine.
Molecular consequence: missense variant.
Genome position (GRCh38, 1-based): chr11:117,437,901, C>T on the plus strand (G>A on the coding strand, the complement: DSCAML1 is on the minus strand). VCF-style: chr11-117437901-C-T. GRCh37 (hg19) VCF-style: chr11-117308617-C-T.
Other names: c.4606G>A (NM_020693.2); short protein forms G1476R.
Identifiers: ClinVar variation 2035046 (VCV002035046.5), dbSNP rs773179557, ClinGen allele CA6296389.
Genomic context (GRCh38, chr11:117,437,901, plus strand): 5'-CCCACCCTCCCTGGGCCCATCGCTCCTTCCCTGCCCCAGTGGCCTGGGCCTCACCCCGCC[C>T]GTGGGTCTTGGCCTCGATGATCTCGCTGATGCGCCCAGAGCCCACGCTGTTCTTGGCTGC-3'
Protein context (NP_065744.3, residues 1466-1486): ISEIIEAKTH[Gly1476Arg]REPSFSKDQH

ClinVar aggregate classification (germline): Uncertain significance. Review status: criteria provided, multiple submitters, no conflicts (2 of 4 stars). 2 submissions from 2 submitters: Uncertain significance (2). Last evaluated 2025-08-27.

Allele frequency attached by ClinVar (database versions not stated): gnomAD exomes below 0.00001; ExAC 0.00001.
gnomAD v4.1: 2 of 1,607,724 alleles (0.00012%); highest among the groups gnomAD compares: Non-Finnish European, 0.00017%; no homozygotes.

Submissions (2):

Ambry Genetics
Classification: Uncertain significance. Last evaluated: 2025-08-27. Review status: criteria provided, single submitter. Criteria: Ambry Variant Classification Scheme 2023. Collection method: clinical testing. Allele origin: germline.

Labcorp Genetics (formerly Invitae), Labcorp
Classification: Uncertain significance. Last evaluated: 2022-10-10. Review status: criteria provided, single submitter. Criteria: Invitae Variant Classification Sherloc (09022015). Collection method: clinical testing. Allele origin: germline.
Comment: In summary, the available evidence is currently insufficient to determine the role of this variant in disease. Therefore, it has been classified as a Variant of Uncertain Significance. Algorithms developed to predict the effect of missense changes on protein structure and function are either unavailable or do not agree on the potential impact of this missense change (SIFT: "Deleterious"; PolyPhen-2: "Probably Damaging"; Align-GVGD: "Class C0"). This variant has not been reported in the literature in individuals affected with DSCAML1-related conditions. The frequency data for this variant in the population databases is considered unreliable, as metrics indicate poor data quality at this position in the gnomAD database. This sequence change replaces glycine, which is neutral and non-polar, with arginine, which is basic and polar, at codon 1536 of the DSCAML1 protein (p.Gly1536Arg).